The following is an entry in ClinVar:

ClinVar aggregate classification (germline): Pathogenic (1 of 4 stars; one submission).

Conditions:
Fanconi anemia (FA). Also called: Fanconi's anemia. Identifiers: Orphanet 84, MedGen C0015625, MeSH D005199, MONDO:0019391.

Submission:

Labcorp Genetics (formerly Invitae), Labcorp
Classification: Pathogenic for Fanconi anemia. Last evaluated: 2022-04-11. Review status: criteria provided, single submitter. Criteria: Invitae Variant Classification Sherloc (09022015). Collection method: clinical testing. Allele origin: germline.
Comment: This variant is a gross deletion of the genomic region encompassing exon(s) 1-31 of the FANCA gene, which includes the initiator codon. This deletion extends beyond the assayed region for this gene and therefore may encompass additional genes. It is expected to result in an absent or disrupted protein product. Loss-of-function variants in FANCA are known to be pathogenic (PMID: 19367192). A similar copy number variant has been observed in individual(s) with Fanconi anemia (PMID: 17924555). For these reasons, this variant has been classified as Pathogenic.

Literature cited by the submitters: PubMed 19367192; PubMed 17924555.

NC_000016.10:g.(?_89752128)_(89816625_?)del

Genes: FANCA (FA complementation group A; minus strand), LOC112486223 (Sharpr-MPRA regulatory region 3988; plus strand), LOC130059838 (ATAC-STARR-seq lymphoblastoid active region 11421; plus strand), LOC130059837 (ATAC-STARR-seq lymphoblastoid active region 11420; plus strand), LOC130059839 (ATAC-STARR-seq lymphoblastoid silent region 7925; plus strand). Cytogenetic location: 16q24.3.
Variant type: Deletion.
Identifiers: ClinVar variation 646402 (VCV000646402.6).